The following is an entry in ClinVar:

ClinVar aggregate classification (germline): Uncertain significance (1 of 4 stars; one submission).

Submission:

Labcorp Genetics (formerly Invitae), Labcorp
Classification: Uncertain significance. Last evaluated: 2022-11-22. Review status: criteria provided, single submitter. Criteria: Invitae Variant Classification Sherloc (09022015). Collection method: clinical testing. Allele origin: germline.
Comment: ClinVar contains an entry for this variant (Variation ID: 1353634). In summary, the available evidence is currently insufficient to determine the role of this variant in disease. Therefore, it has been classified as a Variant of Uncertain Significance. Advanced modeling of protein sequence and biophysical properties (such as structural, functional, and spatial information, amino acid conservation, physicochemical variation, residue mobility, and thermodynamic stability) performed at Invitae indicates that this missense variant is not expected to disrupt TRRAP protein function. This variant has not been reported in the literature in individuals affected with TRRAP-related conditions. This variant is not present in population databases (gnomAD no frequency). This sequence change replaces tyrosine, which is neutral and polar, with phenylalanine, which is neutral and non-polar, at codon 958 of the TRRAP protein (p.Tyr958Phe).

NM_001375524.1(TRRAP):c.2873A>T (p.Tyr958Phe)

Gene: TRRAP (transformation/transcription domain associated protein; plus strand). Cytogenetic location: 7q22.1.
Variant type: single nucleotide variant.
Coding change: c.2873A>T on transcript NM_001375524.1 (MANE Select); coding-DNA position 2873, A replaced by T.
Protein change: p.Tyr958Phe; replaces tyrosine 958 with phenylalanine.
Molecular consequence: missense variant.
Genome position (GRCh38, 1-based): chr7:98,925,161, A>T. VCF-style: chr7-98925161-A-T. GRCh37 (hg19) VCF-style: chr7-98522784-A-T.
Other names: c.2873A>T, p.Tyr958Phe (NM_001244580.2, NM_003496.4); short protein forms Y958F.
Identifiers: ClinVar variation 1353634 (VCV001353634.6), dbSNP rs1789990474, ClinGen allele CA368294970.